The following is an entry in ClinVar:

NM_001256715.2(DNAAF3):c.1460A>T (p.Asn487Ile)

Gene: DNAAF3 (dynein axonemal assembly factor 3; minus strand). Cytogenetic location: 19q13.42.
Variant type: single nucleotide variant.
Coding change: c.1460A>T on transcript NM_001256715.2 (MANE Select); coding-DNA position 1460, A replaced by T.
Protein change: p.Asn487Ile; replaces asparagine 487 with isoleucine.
Molecular consequence: missense variant.
Genome position (GRCh38, 1-based): chr19:55,159,228, T>A on the plus strand (A>T on the coding strand, the complement: DNAAF3 is on the minus strand). VCF-style: chr19-55159228-T-A. GRCh37 (hg19) VCF-style: chr19-55670596-T-A.
Other names: c.1661A>T, p.Asn554Ile (NM_001256714.1); c.1298A>T, p.Asn433Ile (NM_001256716.2); c.1601A>T, p.Asn534Ile (NM_178837.4); short protein forms N534I, N433I, N487I, N554I.
Identifiers: ClinVar variation 3716460 (VCV003716460.1).

ClinVar aggregate classification (germline): Uncertain significance (1 of 4 stars; one submission).

Conditions:
Primary ciliary dyskinesia. Also called: Ciliary dyskinesia. Identifiers: Orphanet 244, MedGen C0008780, MONDO:0016575, HP:0012265.

gnomAD v4.1: 7 of 1,613,650 alleles (0.00043%); highest among the groups gnomAD compares: Non-Finnish European, 0.00059%; no homozygotes.

Submission:

Labcorp Genetics (formerly Invitae), Labcorp
Classification: Uncertain significance for Primary ciliary dyskinesia. Last evaluated: 2024-10-25. Review status: criteria provided, single submitter. Criteria: Invitae Variant Classification Sherloc (09022015). Collection method: clinical testing. Allele origin: germline.
Comment: This sequence change replaces asparagine, which is neutral and polar, with isoleucine, which is neutral and non-polar, at codon 554 of the DNAAF3 protein (p.Asn554Ile). This variant is present in population databases (no rsID available, gnomAD 0.0009%). This variant has not been reported in the literature in individuals affected with DNAAF3-related conditions. An algorithm developed to predict the effect of missense changes on protein structure and function (PolyPhen-2) suggests that this variant¬†is likely to be tolerated. In summary, the available evidence is currently insufficient to determine the role of this variant in disease. Therefore, it has been classified as a Variant of Uncertain Significance.